The following is an entry in ClinVar:

NM_000094.4(COL7A1):c.5602G>T (p.Glu1868Ter)

Gene: COL7A1 (collagen type VII alpha 1 chain; minus strand). Cytogenetic location: 3p21.31.
Variant type: single nucleotide variant.
Coding change: c.5602G>T on transcript NM_000094.4 (MANE Select); coding-DNA position 5602, G replaced by T.
Protein change: p.Glu1868Ter; replaces glutamic acid 1868 with a stop codon.
Molecular consequence: nonsense.
Genome position (GRCh38, 1-based): chr3:48,576,886, C>A on the plus strand (G>T on the coding strand, the complement: COL7A1 is on the minus strand). VCF-style: chr3-48576886-C-A. GRCh37 (hg19) VCF-style: chr3-48614319-C-A.
Other names: short protein forms E1868*.
Identifiers: ClinVar variation 4533374 (VCV004533374.1).

ClinVar aggregate classification (germline): Pathogenic (1 of 4 stars; one submission).

Conditions:
Epidermolysis bullosa simplex 1A, generalized severe (EBS1A). Also called: Epidermolysis bullosa simplex Dowling-Meara type. Identifiers: Orphanet 79396, MedGen C0079295, MONDO:0007550, OMIM 131760.

Submission:

Centro de Genética y Biología Molecular, Universidad de San Martín de Porres
Classification: Pathogenic for Epidermolysis bullosa simplex 1A, generalized severe. Last evaluated: 2020-01-20. Review status: criteria provided, single submitter. Criteria: ACMG Guidelines, 2015. Collection method: research. Allele origin: unknown. Inheritance: Autosomal dominant inheritance. Affected: yes.
Comment: Pathogenic variant. Disrupts COL7A1 protein.Variant is placed in a high degree of conservation position at the THC (triple helix collagenous domain) domain. No presence in genome databases.

Literature cited by the submitters: DOI 10.5070/D32855924.